The following is an entry in ClinVar:

ClinVar aggregate classification (germline): Uncertain significance (1 of 4 stars; one submission).

Submission:

Labcorp Genetics (formerly Invitae), Labcorp
Classification: Uncertain significance. Last evaluated: 2023-07-14. Review status: criteria provided, single submitter. Criteria: Invitae Variant Classification Sherloc (09022015). Collection method: clinical testing. Allele origin: germline.
Comment: This variant, c.937_942del, results in the deletion of 2 amino acid(s) of the ITGAM protein (p.Phe313_Gln314del), but otherwise preserves the integrity of the reading frame. This variant is not present in population databases (gnomAD no frequency). This variant has not been reported in the literature in individuals affected with ITGAM-related conditions. Experimental studies and prediction algorithms are not available or were not evaluated, and the functional significance of this variant is currently unknown. In summary, the available evidence is currently insufficient to determine the role of this variant in disease. Therefore, it has been classified as a Variant of Uncertain Significance.

NM_000632.4(ITGAM):c.937_942del (p.Phe313_Gln314del)

Gene: ITGAM (integrin subunit alpha M; plus strand). Cytogenetic location: 16p11.2.
Variant type: Deletion.
Coding change: c.937_942del on transcript NM_000632.4 (MANE Select); coding-DNA positions 937 to 942, 6 bases deleted (TTCCAG; older notation c.937_942delTTCCAG).
Protein change: p.Phe313_Gln314del.
Molecular consequence: inframe deletion.
Genome position (GRCh38, 1-based): chr16:31,275,627-31,275,632, TTCCAG deleted; deleting any 6 consecutive bases within chr16:31,275,626-31,275,632 gives the same sequence; the c. name uses the placement nearest the transcript's 3' end. VCF-style (leftmost placement, unchanged base first): chr16-31275625-TGTTCCA-T. GRCh37 (hg19) VCF-style: chr16-31286946-TGTTCCA-T.
Other names: c.937_942del, p.Phe313_Gln314del (NM_001145808.2).
Identifiers: ClinVar variation 2705126 (VCV002705126.3), dbSNP rs2544393721, ClinGen allele CA2697555799.